The following is an entry in ClinVar:

ClinVar aggregate classification (germline): Conflicting classifications of pathogenicity. Review status: criteria provided, conflicting classifications (1 of 4 stars). 4 submissions from 4 submitters: Uncertain significance (1); Likely benign (3). Last evaluated 2026-04-01.

Conditions:
NOTCH2-related disorder. Also called: NOTCH2-related condition.
Hajdu-Cheney syndrome (HJCYS). Also called: ACROOSTEOLYSIS WITH OSTEOPOROSIS AND CHANGES IN SKULL AND MANDIBLE; SERPENTINE FIBULA-POLYCYSTIC KIDNEY SYNDROME; Acroosteolysis dominant type. Identifiers: Orphanet 955, MedGen C0917715, MONDO:0007057, OMIM 102500.

Allele frequency attached by ClinVar (database versions not stated): gnomAD 0.00001; TOPMed 0.00001; ExAC 0.00002; gnomAD exomes 0.00002.
gnomAD v4.1: 21 of 1,612,156 alleles (0.0013%); highest among the groups gnomAD compares: Admixed American, 0.005%; no homozygotes.

Submissions (4):

PreventionGenetics, part of Exact Sciences
Classification: Likely benign for NOTCH2-related condition. Last evaluated: 2026-04-01. Review status: criteria provided, single submitter. Criteria: ACMG Guidelines, 2015. Collection method: clinical testing. Allele origin: germline.
Comment: This variant is classified as likely benign based on ACMG/AMP sequence variant interpretation guidelines (Richards et al. 2015 PMID: 25741868, with internal and published modifications).

Labcorp Genetics (formerly Invitae), Labcorp
Classification: Likely benign for Hajdu-Cheney syndrome. Last evaluated: 2026-01-27. Review status: criteria provided, single submitter. Criteria: Invitae Variant Classification Sherloc (09022015). Collection method: clinical testing. Allele origin: germline.

CeGaT Center for Human Genetics Tuebingen
Classification: Likely benign. Last evaluated: 2025-01-01. Review status: criteria provided, single submitter. Criteria: CeGaT Center For Human Genetics Tuebingen Variant Classification Criteria Version 2. Collection method: clinical testing. Allele origin: germline. Affected: yes. Observed: 1 variant allele.
Comment: NOTCH2: BP4, BP7

Eurofins Ntd Llc (ga)
Classification: Uncertain significance. Last evaluated: 2018-08-17. Review status: criteria provided, single submitter. Criteria: EGL ClinVar v180209 classification definitions. Collection method: clinical testing. Allele origin: germline. Observed: 1 variant allele, 1 heterozygote.

NM_024408.4(NOTCH2):c.6222C>T (p.Thr2074=)

Gene: NOTCH2 (notch receptor 2; minus strand). Cytogenetic location: 1p12.
Variant type: single nucleotide variant.
Coding change: c.6222C>T on transcript NM_024408.4 (MANE Select); coding-DNA position 6222, C replaced by T.
Protein change: p.Thr2074=; no amino-acid change (threonine 2074 retained).
Molecular consequence: synonymous variant.
Genome position (GRCh38, 1-based): chr1:119,916,500, G>A on the plus strand (C>T on the coding strand, the complement: NOTCH2 is on the minus strand). VCF-style: chr1-119916500-G-A. GRCh37 (hg19) VCF-style: chr1-120459123-G-A.
Other names: c.6222C>T (NM_024408.3).
Identifiers: ClinVar variation 598456 (VCV000598456.24), dbSNP rs764335447, ClinGen allele CA1039461.